The following is an entry in ClinVar:

NM_000334.4(SCN4A):c.4390G>C (p.Gly1464Arg)

Genes: SCN4A (sodium voltage-gated channel alpha subunit 4; minus strand), GH-LCR (growth hormone locus control region; plus strand). Cytogenetic location: 17q23.3.
Variant type: single nucleotide variant.
Coding change: c.4390G>C on transcript NM_000334.4 (MANE Select); coding-DNA position 4390, G replaced by C.
Protein change: p.Gly1464Arg; replaces glycine 1464 with arginine.
Molecular consequence: missense variant.
Genome position (GRCh38, 1-based): chr17:63,941,892, C>G on the plus strand (G>C on the coding strand, the complement: SCN4A is on the minus strand). VCF-style: chr17-63941892-C-G. GRCh37 (hg19) VCF-style: chr17-62019252-C-G.
Other names: short protein forms G1464R.
Identifiers: ClinVar variation 1358200 (VCV001358200.6), dbSNP rs150423825, ClinGen allele CA400616117.

ClinVar aggregate classification (germline): Uncertain significance (1 of 4 stars; one submission).

Conditions:
Hyperkalemic periodic paralysis. Also called: Familial hyperkalemic periodic paralysis; Gamstorp disease. Identifiers: Orphanet 682, MedGen C0238357, MONDO:0008224, OMIM 170500, HP:0007215.

gnomAD v4.1: 4 of 1,613,366 alleles (0.00025%); highest among the groups gnomAD compares: African/African-American, 0.0027%; no homozygotes.

Submission:

Labcorp Genetics (formerly Invitae), Labcorp
Classification: Uncertain significance for Hyperkalemic periodic paralysis. Last evaluated: 2024-05-24. Review status: criteria provided, single submitter. Criteria: Invitae Variant Classification Sherloc (09022015). Collection method: clinical testing. Allele origin: germline.
Comment: This sequence change replaces glycine, which is neutral and non-polar, with arginine, which is basic and polar, at codon 1464 of the SCN4A protein (p.Gly1464Arg). This variant is not present in population databases (gnomAD no frequency). This variant has not been reported in the literature in individuals affected with SCN4A-related conditions. ClinVar contains an entry for this variant (Variation ID: 1358200). Advanced modeling of protein sequence and biophysical properties (such as structural, functional, and spatial information, amino acid conservation, physicochemical variation, residue mobility, and thermodynamic stability) has been performed at Invitae for this missense variant, however the output from this modeling did not meet the statistical confidence thresholds required to predict the impact of this variant on SCN4A protein function. In summary, the available evidence is currently insufficient to determine the role of this variant in disease. Therefore, it has been classified as a Variant of Uncertain Significance.